The following is an entry in ClinVar:

ClinVar aggregate classification (germline): Pathogenic (3 of 4 stars; one submission).

Conditions:
Breast-ovarian cancer, familial, susceptibility to, 2 (BROVCA2). Also called: BRCA2 Hereditary Breast and Ovarian Cancer. Identifiers: Orphanet 145, MedGen C2675520, MONDO:0012933, OMIM 612555. Disease mechanism: loss of function.

Submission:

Evidence-based Network for the Interpretation of Germline Mutant Alleles (ENIGMA)
Classification: Pathogenic for Breast-ovarian cancer, familial, susceptibility to, 2. Last evaluated: 2016-09-08. Review status: reviewed by expert panel. Criteria: ENIGMA BRCA1/2 Classification Criteria (2015). Collection method: curation. Allele origin: germline.
Comment: Variant allele predicted to encode a truncated non-functional protein.

NM_000059.4(BRCA2):c.4904T>A (p.Leu1635Ter)

Gene: BRCA2 (BRCA2 DNA repair associated; plus strand). Cytogenetic location: 13q13.1.
Variant type: single nucleotide variant.
Coding change: c.4904T>A on transcript NM_000059.4 (MANE Select); coding-DNA position 4904, T replaced by A.
Protein change: p.Leu1635Ter; replaces leucine 1635 with a stop codon.
Molecular consequence: nonsense.
Genome position (GRCh38, 1-based): chr13:32,339,259, T>A. VCF-style: chr13-32339259-T-A. GRCh37 (hg19) VCF-style: chr13-32913396-T-A.
Other names: short protein forms L1635*.
Identifiers: ClinVar variation 254542 (VCV000254542.2), dbSNP rs886038110, ClinGen allele CA10586528.